The following is an entry in ClinVar:

ClinVar aggregate classification (germline): Pathogenic. Review status: criteria provided, multiple submitters, no conflicts (2 of 4 stars). 2 submissions from 2 submitters: Pathogenic (2). Last evaluated 2025-09-12.

Conditions:
Developmental and epileptic encephalopathy, 18 (DEE18). Also called: Early infantile epileptic encephalopathy 18. Identifiers: Orphanet 369894, MedGen C3809624, MONDO:0014201, OMIM 615476.

gnomAD v4.1: 13 of 1,613,834 alleles (0.00081%); highest among the groups gnomAD compares: Admixed American, 0.0017%; no homozygotes.

Submissions (2):

Institute of Human Genetics, University of Leipzig Medical Center
Classification: Pathogenic for Developmental and epileptic encephalopathy, 18. Last evaluated: 2025-09-12. Review status: criteria provided, single submitter. Criteria: ACMG Guidelines, 2015. Collection method: clinical testing. Allele origin: maternal. Inheritance: Autosomal recessive inheritance. Affected: yes.
Comment: Criteria applied: PM2,PVS1

Juno Genomics, Hangzhou Juno Genomics, Inc
Classification: Pathogenic for Developmental and epileptic encephalopathy, 18. Review status: criteria provided, single submitter. Criteria: ACMG Guidelines, 2015. Collection method: clinical testing. Allele origin: germline.
Comment: Absent from controls (or at extremely low frequency if recessive) in Genome Aggregation Database.;Null variant in a gene where loss of function (LOF) is a known mechanism of disease.;For recessive disorders, detected in trans with a pathogenic variant.

NM_001365999.1(SZT2):c.9226C>T (p.Arg3076Ter)

Gene: SZT2 (SZT2 subunit of KICSTOR complex; plus strand). Cytogenetic location: 1p34.2.
Variant type: single nucleotide variant.
Coding change: c.9226C>T on transcript NM_001365999.1 (MANE Select); coding-DNA position 9226, C replaced by T.
Protein change: p.Arg3076Ter; replaces arginine 3076 with a stop codon.
Molecular consequence: nonsense.
Genome position (GRCh38, 1-based): chr1:43,447,108, C>T. VCF-style: chr1-43447108-C-T. GRCh37 (hg19) VCF-style: chr1-43912779-C-T.
Other names: c.9055C>T, p.Arg3019Ter (NM_015284.4); short protein forms R3019*, R3076*.
Identifiers: ClinVar variation 4291100 (VCV004291100.3).